The following is an entry in ClinVar:

ClinVar aggregate classification (germline): Uncertain significance (1 of 4 stars; one submission).

Conditions:
Amyloidosis, hereditary systemic 1 (AMYLD1). Also called: AMYLOID CARDIOMYOPATHY; Hereditary Transthyretin Amyloidosis; Isolated Cardiac Amyloidosis; Amyloid Cardiomyopathy, Transthyretin-related; Familial amyloid polyneuropathy; Transthyretin Amyloidosis. Identifiers: Orphanet 85447, Orphanet 85451, MedGen C2751492, MONDO:0971004, OMIM 105210.

Submission:

Labcorp Genetics (formerly Invitae), Labcorp
Classification: Uncertain significance for Amyloidosis, hereditary systemic 1. Last evaluated: 2019-12-11. Review status: criteria provided, single submitter. Criteria: Invitae Variant Classification Sherloc (09022015). Collection method: clinical testing. Allele origin: germline.
Comment: This variant has not been reported in the literature in individuals with TTR-related conditions. In summary, the available evidence is currently insufficient to determine the role of this variant in disease. Therefore, it has been classified as a Variant of Uncertain Significance. Algorithms developed to predict the effect of missense changes on protein structure and function are either unavailable or do not agree on the potential impact of this missense change (SIFT: "Not Available"; PolyPhen-2: "Possibly Damaging"; Align-GVGD: "Not Available"). This variant is not present in population databases (ExAC no frequency). This sequence change replaces alanine with aspartic acid at codon 12 of the TTR protein (p.Ala12Asp). The alanine residue is highly conserved and there is a moderate physicochemical difference between alanine and aspartic acid.

NM_000371.4(TTR):c.35C>A (p.Ala12Asp)

Gene: TTR (transthyretin; plus strand). Cytogenetic location: 18q12.1.
Variant type: single nucleotide variant.
Coding change: c.35C>A on transcript NM_000371.4 (MANE Select); coding-DNA position 35, C replaced by A.
Protein change: p.Ala12Asp; replaces alanine 12 with aspartic acid.
Molecular consequence: missense variant.
Genome position (GRCh38, 1-based): chr18:31,591,937, C>A. VCF-style: chr18-31591937-C-A. GRCh37 (hg19) VCF-style: chr18-29171900-C-A.
Other names: short protein forms A12D.
Identifiers: ClinVar variation 857014 (VCV000857014.8), dbSNP rs2073488167, ClinGen allele CA402156305.